The following is an entry in ClinVar:

NM_001735.3(C5):c.539T>C (p.Ile180Thr)

Gene: C5 (complement C5; minus strand). Cytogenetic location: 9q33.2.
Variant type: single nucleotide variant.
Coding change: c.539T>C on transcript NM_001735.3 (MANE Select); coding-DNA position 539, T replaced by C.
Protein change: p.Ile180Thr; replaces isoleucine 180 with threonine.
Molecular consequence: missense variant.
Genome position (GRCh38, 1-based): chr9:121,034,848, A>G on the plus strand (T>C on the coding strand, the complement: C5 is on the minus strand). VCF-style: chr9-121034848-A-G. GRCh37 (hg19) VCF-style: chr9-123797126-A-G.
Other names: c.557T>C, p.Ile186Thr (NM_001317163.2); c.539T>C, p.Ile180Thr (NM_001317164.2); short protein forms I180T, I186T.
Identifiers: ClinVar variation 2053103 (VCV002053103.5), dbSNP rs755428446, ClinGen allele CA5218359.

ClinVar aggregate classification (germline): Conflicting classifications of pathogenicity. Review status: criteria provided, conflicting classifications (1 of 4 stars). 2 submissions from 2 submitters: Uncertain significance (1); Likely benign (1). Last evaluated 2025-12-16.

Allele frequency attached by ClinVar (database versions not stated): gnomAD exomes 0.00004; ExAC 0.00002; gnomAD 0.00002; TOPMed 0.00002.
gnomAD v4.1: 68 of 1,597,144 alleles (0.0043%); highest among the groups gnomAD compares: Non-Finnish European, 0.0051%; no homozygotes.

Submissions (2):

Ambry Genetics
Classification: Likely benign. Last evaluated: 2025-12-16. Review status: criteria provided, single submitter. Criteria: Ambry Variant Classification Scheme 2023. Collection method: clinical testing. Allele origin: germline.

Labcorp Genetics (formerly Invitae), Labcorp
Classification: Uncertain significance. Last evaluated: 2022-03-15. Review status: criteria provided, single submitter. Criteria: Invitae Variant Classification Sherloc (09022015). Collection method: clinical testing. Allele origin: germline.
Comment: In summary, the available evidence is currently insufficient to determine the role of this variant in disease. Therefore, it has been classified as a Variant of Uncertain Significance. Algorithms developed to predict the effect of missense changes on protein structure and function output the following: SIFT: "Tolerated"; PolyPhen-2: "Benign"; Align-GVGD: "Class C0". The threonine amino acid residue is found in multiple mammalian species, which suggests that this missense change does not adversely affect protein function. This variant has not been reported in the literature in individuals affected with C5-related conditions. This variant is present in population databases (rs755428446, gnomAD 0.005%). This sequence change replaces isoleucine, which is neutral and non-polar, with threonine, which is neutral and polar, at codon 180 of the C5 protein (p.Ile180Thr).